The following is an entry in ClinVar:

ClinVar aggregate classification (germline): Conflicting classifications of pathogenicity. Review status: criteria provided, conflicting classifications (1 of 4 stars). 6 submissions from 6 submitters: Uncertain significance (3); Likely benign (3). Last evaluated 2026-01-01.

Conditions:
Hereditary cancer-predisposing syndrome. Also called: Tumor predisposition; Hereditary Cancer Syndrome; Neoplastic Syndromes, Hereditary; Hereditary neoplastic syndrome. Identifiers: Orphanet 140162, MedGen C0027672, MeSH D009386, MONDO:0015356.
Hereditary breast ovarian cancer syndrome. Also called: Hereditary breast and ovarian cancer; Hereditary breast and ovarian cancer syndrome; Hereditary breast and ovarian cancer syndrome (HBOC); Breast and ovarian cancer; Hereditary breast and/or ovarian cancer syndrome; BRCA1- and BRCA2-Associated Hereditary Breast and Ovarian Cancer. Identifiers: Orphanet 145, MedGen C0677776, MeSH D061325, MONDO:0003582. Disease mechanism: loss of function.
Breast-ovarian cancer, familial, susceptibility to, 1 (BROVCA1). Also called: BRCA1 Hereditary Breast and Ovarian Cancer; OVARIAN CANCER, SUSCEPTIBILITY TO. Identifiers: Orphanet 145, MedGen C2676676, MONDO:0011450, OMIM 604370. Disease mechanism: loss of function.

Submissions (7):

CeGaT Center for Human Genetics Tuebingen
Classification: Uncertain significance. Last evaluated: 2026-01-01. Review status: criteria provided, single submitter. Criteria: CeGaT Center For Human Genetics Tuebingen Variant Classification Criteria Version 2. Collection method: clinical testing. Allele origin: germline. Affected: yes. Observed: 1 variant allele.
Comment: BRCA1: PM2, PM5, BS3:Moderate

Labcorp Genetics (formerly Invitae), Labcorp
Classification: Uncertain significance for Hereditary breast ovarian cancer syndrome. Last evaluated: 2025-03-12. Review status: criteria provided, single submitter. Criteria: Invitae Variant Classification Sherloc (09022015). Collection method: clinical testing. Allele origin: germline.
Comment: This sequence change replaces valine, which is neutral and non-polar, with isoleucine, which is neutral and non-polar, at codon 1809 of the BRCA1 protein (p.Val1809Ile). This variant is not present in population databases (gnomAD no frequency). This variant has not been reported in the literature in individuals affected with BRCA1-related conditions. ClinVar contains an entry for this variant (Variation ID: 240822). Invitae Evidence Modeling incorporating data from in vitro experimental studies (PMID: 30209399) indicates that this missense variant is not expected to disrupt BRCA1 function with a negative predictive value of 95%. Experimental studies have shown that this missense change does not substantially affect BRCA1 function (PMID: 30209399). In summary, the available evidence is currently insufficient to determine the role of this variant in disease. Therefore, it has been classified as a Variant of Uncertain Significance.

Women's Health and Genetics/Laboratory Corporation of America, LabCorp
Classification: Likely benign. Last evaluated: 2025-02-07. Review status: criteria provided, single submitter. Criteria: LabCorp Variant Classification Summary - May 2015. Collection method: clinical testing. Allele origin: germline.
Comment: Variant summary: BRCA1 c.5425G>A (p.Val1809Ile) results in a conservative amino acid change located in the BRCT domain profile (IPR001357) of the encoded protein sequence. Five of five in-silico tools predict a benign effect of the variant on protein function. The variant was absent in 251496 control chromosomes. The available data on variant occurrences in the general population are insufficient to allow any conclusion about variant significance. To our knowledge, no occurrence of c.5425G>A in individuals affected with Hereditary Breast And Ovarian Cancer Syndrome has been reported. At least one functional study reports experimental evidence evaluating an impact on protein function and showed no damaging effect of this variant on homology directed repair (HDR) activity (e.g. Findlay_2018). HDR assays qualify as a recognized gold standard on the basis of updated guidance provided by the ClinGen Sequence Variant Interpretation (SVI) working group. These results showed no damaging effect of this variant. The following publication has been ascertained in the context of this evaluation (PMID: 30209399). ClinVar contains an entry for this variant (Variation ID: 240822). Based on the evidence outlined above, the variant was classified as likely benign.

German Consortium for Hereditary Breast and Ovarian Cancer, University Hospital Cologne
Classification: Likely benign for Hereditary breast ovarian cancer syndrome. Last evaluated: 2024-07-08. Review status: criteria provided, single submitter. Criteria: ClinGen BRCA1 V1.1.0. Collection method: curation. Allele origin: germline.
Comment: According to the ClinGen ENIGMA BRCA1 v1.1.0 criteria we chose these criteria: PM2 (supporting pathogenic): not in gomAD, BP4 (supporting benign): Missense o inside a (potentially) clinicallyimportant functional domain, and no predicted impact via protein change or splicing(BayesDel no-AF score ≤ 0.15 AND SpliceAI ≤0.1)., BS3 (strong benign): Findlay2018: functional

Baylor Genetics
Classification: Uncertain significance for Breast-ovarian cancer, familial, susceptibility to, 1. Last evaluated: 2023-02-15. Review status: criteria provided, single submitter. Criteria: ACMG Guidelines, 2015. Collection method: clinical testing. Allele origin: unknown.

Ambry Genetics
Classification: Likely benign for Hereditary cancer-predisposing syndrome. Last evaluated: 2022-04-25. Review status: criteria provided, single submitter. Criteria: Ambry Variant Classification Scheme 2023. Collection method: clinical testing. Allele origin: germline.

Brotman Baty Institute, University of Washington
No classification provided (evidence only). Condition: Breast-ovarian cancer, familial 1. Review status: no classification provided. Collection method: in vitro. Allele origin: not applicable. Functional consequence: functionally_normal. Not counted in ClinVar's aggregate classification.
ClinVar note: "not provided" was previously submitted as the classification for the variant. However, the classification appeared to be based only on an observation of functional data so it was converted to no classification on 2025-07-30.

Literature cited by the submitters: PubMed 30209399 (cited by Labcorp Genetics (formerly Invitae), Labcorp and Women's Health and Genetics/Laboratory Corporation of America, LabCorp).

NM_007294.4(BRCA1):c.5425G>A (p.Val1809Ile)

Gene: BRCA1 (BRCA1 DNA repair associated; minus strand). Cytogenetic location: 17q21.31.
Variant type: single nucleotide variant.
Coding change: c.5425G>A on transcript NM_007294.4 (MANE Select); coding-DNA position 5425, G replaced by A.
Protein change: p.Val1809Ile; replaces valine 1809 with isoleucine.
Molecular consequence: missense variant. On other transcripts: non-coding transcript variant (1).
Genome position (GRCh38, 1-based): chr17:43,047,685, C>T on the plus strand (G>A on the coding strand, the complement: BRCA1 is on the minus strand). VCF-style: chr17-43047685-C-T. GRCh37 (hg19) VCF-style: chr17-41199702-C-T.
Other names: c.5212G>A, p.Val1738Ile (NM_001407571.1, NM_001407906.1, NM_001407907.1 and 12 more transcripts); c.5491G>A, p.Val1831Ile (NM_001407581.1, NM_001407582.1); c.5488G>A, p.Val1830Ile (NM_001407583.1, NM_001407585.1, NM_001407587.1 and 1 more transcripts); c.5218G>A, p.Val1740Ile (NM_001407874.1, NM_001407875.1); c.5215G>A, p.Val1739Ile (NM_001407879.1, NM_001407881.1, NM_001407882.1 and 5 more transcripts); c.2113G>A, p.Val705Ile (NM_001407990.1, NM_001407991.1, NM_001407992.1 and 11 more transcripts); c.2110G>A, p.Val704Ile (NM_001408392.1, NM_001408396.1, NM_001408397.1 and 7 more transcripts); c.5422G>A, p.Val1808Ile (NM_001407613.1, NM_001407614.1, NM_001407615.1 and 14 more transcripts); and 83 more; short protein forms V1809I, V705I, V1830I, G680D, V1762I, G1736D, G1737D, V1513I.
Identifiers: ClinVar variation 240822 (VCV000240822.23), dbSNP rs28897698, ClinGen allele CA10583546.